The following is an entry in ClinVar:

NM_001001957.2(OR2W3):c.791C>A (p.Ala264Asp)

Gene: OR2W3 (olfactory receptor family 2 subfamily W member 3; plus strand). Cytogenetic location: 1q44.
Variant type: single nucleotide variant.
Coding change: c.791C>A on transcript NM_001001957.2 (MANE Select); coding-DNA position 791, C replaced by A.
Protein change: p.Ala264Asp; replaces alanine 264 with aspartic acid.
Molecular consequence: missense variant.
Genome position (GRCh38, 1-based): chr1:247,896,377, C>A. VCF-style: chr1-247896377-C-A. GRCh37 (hg19) VCF-style: chr1-248059679-C-A.
Other names: short protein forms A264D.
Identifiers: ClinVar variation 2708799 (VCV002708799.3), dbSNP rs2527689315, ClinGen allele CA345596161.

ClinVar aggregate classification (germline): Uncertain significance (1 of 4 stars; one submission).

Submission:

Labcorp Genetics (formerly Invitae), Labcorp
Classification: Uncertain significance. Last evaluated: 2024-01-19. Review status: criteria provided, single submitter. Criteria: Invitae Variant Classification Sherloc (09022015). Collection method: clinical testing. Allele origin: germline.
Comment: This sequence change replaces alanine, which is neutral and non-polar, with aspartic acid, which is acidic and polar, at codon 264 of the OR2W3 protein (p.Ala264Asp). This variant is not present in population databases (gnomAD no frequency). This variant has not been reported in the literature in individuals affected with OR2W3-related conditions. An algorithm developed to predict the effect of missense changes on protein structure and function (PolyPhen-2) suggests that this variant is likely to be tolerated. In summary, the available evidence is currently insufficient to determine the role of this variant in disease. Therefore, it has been classified as a Variant of Uncertain Significance.